The following is an entry in ClinVar:

ClinVar aggregate classification (germline): Likely pathogenic (1 of 4 stars; one submission).

Conditions:
Neurodevelopmental abnormality. Identifiers: MedGen C4022737, HP:0012759.

Submission:

Clinical Genetics Laboratory, Skane University Hospital Lund
Classification: Likely pathogenic for Neurodevelopmental abnormality. Last evaluated: 2024-06-12. Review status: criteria provided, single submitter. Criteria: ACMG Guidelines, 2015. Collection method: clinical testing. Allele origin: de novo. Inheritance: Autosomal dominant inheritance. Affected: yes.
Comment: PVS1, PM2

NM_015557.3(CHD5):c.5556del (p.Ala1853fs)

Gene: CHD5 (chromodomain helicase DNA binding protein 5; minus strand). Cytogenetic location: 1p36.31.
Variant type: Deletion.
Coding change: c.5556del on transcript NM_015557.3 (MANE Select); coding-DNA position 5556, one base deleted (T; older notation c.5556delT).
Protein change: p.Ala1853fs; shifts the reading frame from alanine 1853.
Molecular consequence: frameshift variant.
Genome position (GRCh38, 1-based): chr1:6,109,817, A deleted on the plus strand (T on the coding strand, the reverse complement: CHD5 is on the minus strand). VCF-style (leftmost placement, unchanged base first): chr1-6109816-CA-C. GRCh37 (hg19) VCF-style: chr1-6169876-CA-C.
Other names: short protein forms A1853fs.
Identifiers: ClinVar variation 3767292 (VCV003767292.1).